The following is an entry in ClinVar:

NM_006445.4(PRPF8):c.4792G>C (p.Asp1598His)

Gene: PRPF8 (pre-mRNA processing factor 8; minus strand). Cytogenetic location: 17p13.3.
Variant type: single nucleotide variant.
Coding change: c.4792G>C on transcript NM_006445.4 (MANE Select); coding-DNA position 4792, G replaced by C.
Protein change: p.Asp1598His; replaces aspartic acid 1598 with histidine.
Molecular consequence: missense variant.
Genome position (GRCh38, 1-based): chr17:1,659,995, C>G on the plus strand (G>C on the coding strand, the complement: PRPF8 is on the minus strand). VCF-style: chr17-1659995-C-G. GRCh37 (hg19) VCF-style: chr17-1563289-C-G.
Other names: short protein forms D1598H.
Identifiers: ClinVar variation 1307501 (VCV001307501.2), dbSNP rs759664867, ClinGen allele CA397574880.
Genomic context (GRCh38, chr17:1,659,995, plus strand): 5'-TTCGGGGATGGATTGTCTCCTTTTGTACTGTCTCAATTTCCAGTGCATCAAGTTCCTGGT[C>G]AAACACCTGAAGGAAAACATGGAGAGATTAAGACTTGTTAAGGAAGCCCAATTAAAATCA-3'
Protein context (NP_006436.3, residues 1588-1608): SIVMDLCQVF[Asp1598His]QELDALEIET

ClinVar aggregate classification (germline): Uncertain significance (1 of 4 stars; one submission).

gnomAD v4.1: 1 of 1,614,112 alleles (0.000062%); highest among the groups gnomAD compares: Non-Finnish European, 0.000085%; no homozygotes.

Submission:

GeneDx
Classification: Uncertain significance. Last evaluated: 2019-08-21. Review status: criteria provided, single submitter. Criteria: GeneDx Variant Classification Process June 2021. Collection method: clinical testing. Allele origin: germline. Affected: yes.
Comment: Not observed in large population cohorts (Lek et al., 2016); In silico analysis, which includes protein predictors and evolutionary conservation, supports a deleterious effect; Has not been previously published as pathogenic or benign to our knowledge